The following is an entry in ClinVar:

NM_001377.3(DYNC2H1):c.6755A>G (p.Asp2252Gly)

Gene: DYNC2H1 (dynein cytoplasmic 2 heavy chain 1; plus strand). Cytogenetic location: 11q22.3.
Variant type: single nucleotide variant.
Coding change: c.6755A>G on transcript NM_001377.3 (MANE Select); coding-DNA position 6755, A replaced by G.
Protein change: p.Asp2252Gly; replaces aspartic acid 2252 with glycine.
Molecular consequence: missense variant.
Genome position (GRCh38, 1-based): chr11:103,186,363, A>G. VCF-style: chr11-103186363-A-G. GRCh37 (hg19) VCF-style: chr11-103057092-A-G.
Other names: c.6755A>G, p.Asp2252Gly (NM_001080463.2); short protein forms D2252G.
Identifiers: ClinVar variation 2980766 (VCV002980766.2), dbSNP rs376192761, ClinGen allele CA6254066.

ClinVar aggregate classification (germline): Uncertain significance (1 of 4 stars; one submission).

Conditions:
Jeune thoracic dystrophy. Also called: Short-rib thoracic dysplasia; Infantile thoracic dystrophy; Thoracic pelvic phalangeal dystrophy; Jeune's syndrome; Chondroectodermal dysplasia-like syndrome; Jeune syndrome. Identifiers: Orphanet 474, MedGen C0265275, MONDO:0018770.

Allele frequency attached by ClinVar (database versions not stated): gnomAD 0.00001; TOPMed 0.00002; ESP Exome Variant Server 0.00008.
gnomAD v4.1: 9 of 1,612,802 alleles (0.00056%); highest among the groups gnomAD compares: South Asian, 0.0011%; no homozygotes.

Submission:

Labcorp Genetics (formerly Invitae), Labcorp
Classification: Uncertain significance for Jeune thoracic dystrophy. Last evaluated: 2023-10-13. Review status: criteria provided, single submitter. Criteria: Invitae Variant Classification Sherloc (09022015). Collection method: clinical testing. Allele origin: germline.
Comment: This sequence change replaces aspartic acid, which is acidic and polar, with glycine, which is neutral and non-polar, at codon 2252 of the DYNC2H1 protein (p.Asp2252Gly). This variant is not present in population databases (gnomAD no frequency). This variant has not been reported in the literature in individuals affected with DYNC2H1-related conditions. Algorithms developed to predict the effect of missense changes on protein structure and function output the following: SIFT: "Not Available"; PolyPhen-2: "Benign"; Align-GVGD: "Not Available". The glycine amino acid residue is found in multiple mammalian species, which suggests that this missense change does not adversely affect protein function. In summary, the available evidence is currently insufficient to determine the role of this variant in disease. Therefore, it has been classified as a Variant of Uncertain Significance.